The following is an entry in ClinVar:

NM_000515.5(GH1):c.509G>A (p.Ser170Asn)

Genes: GH-LCR (growth hormone locus control region; plus strand), GH1 (growth hormone 1; minus strand). Cytogenetic location: 17q23.3.
Variant type: single nucleotide variant.
Coding change: c.509G>A on transcript NM_000515.5 (MANE Select); coding-DNA position 509, G replaced by A.
Protein change: p.Ser170Asn; replaces serine 170 with asparagine.
Molecular consequence: missense variant.
Genome position (GRCh38, 1-based): chr17:63,917,454, C>T on the plus strand (G>A on the coding strand, the complement: GH1 is on the minus strand). VCF-style: chr17-63917454-C-T. GRCh37 (hg19) VCF-style: chr17-61994814-C-T.
Other names: c.464G>A, p.Ser155Asn (NM_022559.4); c.389G>A, p.Ser130Asn (NM_022560.4); short protein forms S130N, S155N, S170N.
Identifiers: ClinVar variation 4086405 (VCV004086405.1).

ClinVar aggregate classification (germline): Uncertain significance (1 of 4 stars; one submission).

gnomAD v4.1: 1 of 1,613,862 alleles (0.000062%); highest among the groups gnomAD compares: African/African-American, 0.0013%; no homozygotes.

Submission:

GeneDx
Classification: Uncertain significance. Last evaluated: 2025-03-20. Review status: criteria provided, single submitter. Criteria: GeneDx Variant Classification Process June 2021. Collection method: clinical testing. Allele origin: germline. Affected: yes.
Comment: Not observed at significant frequency in large population cohorts (gnomAD); In silico analysis indicates that this missense variant does not alter protein structure/function; Has not been previously published as pathogenic or benign to our knowledge